The following is an entry in ClinVar:

NM_006136.3(CAPZA2):c.821T>A (p.Ile274Asn)

Gene: CAPZA2 (capping actin protein of muscle Z-line subunit alpha 2; plus strand). Cytogenetic location: 7q31.2.
Variant type: single nucleotide variant.
Coding change: c.821T>A on transcript NM_006136.3 (MANE Select); coding-DNA position 821, T replaced by A.
Protein change: p.Ile274Asn; replaces isoleucine 274 with asparagine.
Molecular consequence: missense variant.
Genome position (GRCh38, 1-based): chr7:116,917,827, T>A. VCF-style: chr7-116917827-T-A. GRCh37 (hg19) VCF-style: chr7-116557881-T-A.
Other names: short protein forms I274N.
Identifiers: ClinVar variation 3372751 (VCV003372751.1).
Genomic context (GRCh38, chr7:116,917,827, plus strand): 5'-CTTTCAAAGCCTTACGTCGACAGTTGCCAGTTACACGCACTAAGATTGATTGGAACAAGA[T>A]CCTTAGCTACAAGATTGGCAAAGAGATGCAGAATGCATAAGATGAACATTGCATGACCGG-3'
Protein context (NP_006127.1, residues 264-284): VTRTKIDWNK[Ile274Asn]LSYKIGKEMQ

ClinVar aggregate classification (germline): Uncertain significance (1 of 4 stars; one submission).

Submission:

GeneDx
Classification: Uncertain significance. Last evaluated: 2024-04-18. Review status: criteria provided, single submitter. Criteria: GeneDx Variant Classification Process June 2021. Collection method: clinical testing. Allele origin: germline. Affected: yes.
Comment: Not observed at significant frequency in large population cohorts (gnomAD); In silico analysis supports that this missense variant has a deleterious effect on protein structure/function; Has not been previously published as pathogenic or benign to our knowledge